The following is an entry in ClinVar:

ClinVar aggregate classification (germline): Uncertain significance (1 of 4 stars; one submission).

Allele frequency attached by ClinVar (database versions not stated): gnomAD exomes below 0.00001; TOPMed below 0.00001; ExAC 0.00001.
gnomAD v4.1: 1 of 1,613,916 alleles (0.000062%); highest among the groups gnomAD compares: Admixed American, 0.0017%; no homozygotes.

Submission:

Labcorp Genetics (formerly Invitae), Labcorp
Classification: Uncertain significance. Last evaluated: 2024-12-07. Review status: criteria provided, single submitter. Criteria: Invitae Variant Classification Sherloc (09022015). Collection method: clinical testing. Allele origin: germline.
Comment: This sequence change replaces methionine, which is neutral and non-polar, with lysine, which is basic and polar, at codon 938 of the NALCN protein (p.Met938Lys). This variant is present in population databases (rs753418454, gnomAD 0.003%). This variant has not been reported in the literature in individuals affected with NALCN-related conditions. ClinVar contains an entry for this variant (Variation ID: 1987044). Invitae Evidence Modeling of protein sequence and biophysical properties (such as structural, functional, and spatial information, amino acid conservation, physicochemical variation, residue mobility, and thermodynamic stability) indicates that this missense variant is not expected to disrupt NALCN protein function with a negative predictive value of 80%. In summary, the available evidence is currently insufficient to determine the role of this variant in disease. Therefore, it has been classified as a Variant of Uncertain Significance.

NM_052867.4(NALCN):c.2813T>A (p.Met938Lys)

Gene: NALCN (sodium leak channel, non-selective; minus strand). Cytogenetic location: 13q33.1.
Variant type: single nucleotide variant.
Coding change: c.2813T>A on transcript NM_052867.4 (MANE Select); coding-DNA position 2813, T replaced by A.
Protein change: p.Met938Lys; replaces methionine 938 with lysine.
Molecular consequence: missense variant.
Genome position (GRCh38, 1-based): chr13:101,104,371, A>T on the plus strand (T>A on the coding strand, the complement: NALCN is on the minus strand). VCF-style: chr13-101104371-A-T. GRCh37 (hg19) VCF-style: chr13-101756722-A-T.
Other names: c.2900T>A, p.Met967Lys (NM_001350748.2); c.2813T>A, p.Met938Lys (NM_001350749.2); c.2726T>A, p.Met909Lys (NM_001350750.2, NM_001350751.2); short protein forms M909K, M967K, M938K.
Identifiers: ClinVar variation 1987044 (VCV001987044.4), dbSNP rs753418454, ClinGen allele CA7035573.
Genomic context (GRCh38, chr13:101,104,371, plus strand): 5'-TCCATTACTCCACCGAAGTCCCTGATGACAGCAGTTGGAGTGAAAAATAAGCCATCTGCC[A>T]TAATCTTCAGATTAAGCTCAATGCTCATGAATATCACAAACACATACTCAGCAATCTGAA-3'
Protein context (NP_443099.1, residues 928-948): FMSIELNLKI[Met938Lys]ADGLFFTPTA